The following is an entry in ClinVar:

ClinVar aggregate classification (germline): Likely benign (1 of 4 stars; one submission).

Submission:

CeGaT Center for Human Genetics Tuebingen
Classification: Likely benign. Last evaluated: 2025-10-01. Review status: criteria provided, single submitter. Criteria: CeGaT Center For Human Genetics Tuebingen Variant Classification Criteria Version 2. Collection method: clinical testing. Allele origin: germline. Affected: yes. Observed: 1 variant allele.
Comment: RASA2: PM2:Supporting, BP4, BP7

NM_006506.5(RASA2):c.2298C>T (p.Thr766=)

Gene: RASA2 (RAS p21 protein activator 2; plus strand). Cytogenetic location: 3q23.
Variant type: single nucleotide variant.
Coding change: c.2298C>T on transcript NM_006506.5 (MANE Select); coding-DNA position 2298, C replaced by T.
Protein change: p.Thr766=; no amino-acid change (threonine 766 retained).
Molecular consequence: synonymous variant.
Genome position (GRCh38, 1-based): chr3:141,609,492, C>T. VCF-style: chr3-141609492-C-T. GRCh37 (hg19) VCF-style: chr3-141328334-C-T.
Other names: c.2301C>T, p.Thr767= (NM_001303245.3); c.2310C>T, p.Thr770= (NM_001303246.3).
Identifiers: ClinVar variation 4534796 (VCV004534796.6).